The following is an entry in ClinVar:

NM_138796.4(SPATA17):c.998G>A (p.Cys333Tyr)

Gene: SPATA17 (spermatogenesis associated 17; plus strand). Cytogenetic location: 1q41.
Variant type: single nucleotide variant.
Coding change: c.998G>A on transcript NM_138796.4 (MANE Select); coding-DNA position 998, G replaced by A.
Protein change: p.Cys333Tyr; replaces cysteine 333 with tyrosine.
Molecular consequence: missense variant.
Genome position (GRCh38, 1-based): chr1:217,801,843, G>A. VCF-style: chr1-217801843-G-A. GRCh37 (hg19) VCF-style: chr1-217975185-G-A.
Other names: c.998G>A, p.Cys333Tyr (NM_001375655.1); short protein forms C333Y.
Identifiers: ClinVar variation 2639903 (VCV002639903.24), dbSNP rs148409840, ClinGen allele CA1398030.

ClinVar aggregate classification (germline): Likely benign (1 of 4 stars; one submission).

Allele frequency attached by ClinVar (database versions not stated): ExAC 0.00015; ESP Exome Variant Server 0.00039; gnomAD 0.00050.
gnomAD v4.1: 166 of 1,602,226 alleles (0.01%); highest among the groups gnomAD compares: African/African-American, 0.22%; no homozygotes.

Submission:

CeGaT Center for Human Genetics Tuebingen
Classification: Likely benign. Last evaluated: 2023-04-01. Review status: criteria provided, single submitter. Criteria: CeGaT Center For Human Genetics Tuebingen Variant Classification Criteria Version 2. Collection method: clinical testing. Allele origin: germline. Affected: yes. Observed: 1 variant allele.
Comment: SPATA17: BP4